The following is an entry in ClinVar:

ClinVar aggregate classification (germline): Uncertain significance. Review status: criteria provided, multiple submitters, no conflicts (2 of 4 stars). 2 submissions from 2 submitters: Uncertain significance (2). Last evaluated 2025-06-18.

Conditions:
Inborn genetic diseases. Identifiers: MedGen C0950123, MeSH D030342.

Allele frequency attached by ClinVar (database versions not stated): gnomAD exomes 0.00004 and 0.00014; gnomAD 0.00006 and 0.00009; ESP Exome Variant Server 0.00008; TOPMed 0.00015; ExAC 0.00022; 1000 Genomes Project 30x 0.00062; 1000 Genomes Project 0.00080.
gnomAD v4.1: 78 of 1,605,390 alleles (0.0049%); highest among the groups gnomAD compares: East Asian, 0.072%; no homozygotes.

Submissions (2):

Ambry Genetics
Classification: Uncertain significance for Inborn genetic diseases. Last evaluated: 2025-06-18. Review status: criteria provided, single submitter. Criteria: Ambry Variant Classification Scheme 2023. Collection method: clinical testing. Allele origin: germline.

Labcorp Genetics (formerly Invitae), Labcorp
Classification: Uncertain significance. Last evaluated: 2023-12-15. Review status: criteria provided, single submitter. Criteria: Invitae Variant Classification Sherloc (09022015). Collection method: clinical testing. Allele origin: germline.
Comment: This sequence change replaces glutamic acid, which is acidic and polar, with lysine, which is basic and polar, at codon 1926 of the LAMA5 protein (p.Glu1926Lys). This variant is present in population databases (rs190401499, gnomAD 0.1%). This missense change has been observed in individual(s) with clinical features of LAMA5-related conditions (Invitae). ClinVar contains an entry for this variant (Variation ID: 1514594). Advanced modeling of protein sequence and biophysical properties (such as structural, functional, and spatial information, amino acid conservation, physicochemical variation, residue mobility, and thermodynamic stability) performed at Invitae indicates that this missense variant is not expected to disrupt LAMA5 protein function with a negative predictive value of 80%. In summary, the available evidence is currently insufficient to determine the role of this variant in disease. Therefore, it has been classified as a Variant of Uncertain Significance.

NM_005560.6(LAMA5):c.5776G>A (p.Glu1926Lys)

Gene: LAMA5 (laminin subunit alpha 5; minus strand). Cytogenetic location: 20q13.33.
Variant type: single nucleotide variant.
Coding change: c.5776G>A on transcript NM_005560.6 (MANE Select); coding-DNA position 5776, G replaced by A.
Protein change: p.Glu1926Lys; replaces glutamic acid 1926 with lysine.
Molecular consequence: missense variant.
Genome position (GRCh38, 1-based): chr20:62,323,849, C>T on the plus strand (G>A on the coding strand, the complement: LAMA5 is on the minus strand). VCF-style: chr20-62323849-C-T. GRCh37 (hg19) VCF-style: chr20-60898905-C-T.
Other names: c.5776G>A (NM_005560.3); short protein forms E1926K.
Identifiers: ClinVar variation 1514594 (VCV001514594.6), dbSNP rs190401499, ClinGen allele CA9942032.